The following is an entry in ClinVar:

NM_014321.4(ORC6):c.354A>G (p.Leu118=)

Gene: ORC6 (origin recognition complex subunit 6; plus strand). Cytogenetic location: 16q11.2.
Variant type: single nucleotide variant.
Coding change: c.354A>G on transcript NM_014321.4 (MANE Select); coding-DNA position 354, A replaced by G.
Protein change: p.Leu118=; no amino-acid change (leucine 118 retained).
Molecular consequence: synonymous variant. On other transcripts: non-coding transcript variant (1).
Genome position (GRCh38, 1-based): chr16:46,692,540, A>G. VCF-style: chr16-46692540-A-G. GRCh37 (hg19) VCF-style: chr16-46726452-A-G.
Other names: c.354A>G (NM_014321.3).
Identifiers: ClinVar variation 1580779 (VCV001580779.10), dbSNP rs1046633319, ClinGen allele CA280229797.

ClinVar aggregate classification (germline): Likely benign. Review status: criteria provided, single submitter (1 of 4 stars). 2 submissions from 2 submitters: Likely benign (1). 1 of the submissions does not count toward it. Last evaluated 2025-10-01.

Conditions:
ORC6-related disorder. Also called: ORC6-related condition.

Allele frequency attached by ClinVar (database versions not stated): gnomAD exomes below 0.00001; gnomAD 0.00003; TOPMed 0.00011.
gnomAD v4.1: 9 of 1,612,348 alleles (0.00056%); highest among the groups gnomAD compares: Admixed American, 0.0083%; no homozygotes.

Submissions (2):

Labcorp Genetics (formerly Invitae), Labcorp
Classification: Likely benign. Last evaluated: 2025-10-01. Review status: criteria provided, single submitter. Criteria: Invitae Variant Classification Sherloc (09022015). Collection method: clinical testing. Allele origin: germline.

PreventionGenetics, part of Exact Sciences
Classification: Likely benign for ORC6-related condition. Last evaluated: 2019-05-20. Review status: no assertion criteria provided. Collection method: clinical testing. Allele origin: germline. Not counted in ClinVar's aggregate classification.
Comment: This variant is classified as likely benign based on ACMG/AMP sequence variant interpretation guidelines (Richards et al. 2015 PMID: 25741868, with internal and published modifications).